The following is an entry in ClinVar:

ClinVar aggregate classification (germline): Uncertain significance (1 of 4 stars; one submission).

Conditions:
Spermatogenic failure 18. Identifiers: MedGen C4539783, MONDO:0054615, OMIM 617576.
Ciliary dyskinesia, primary, 37 (CILD37). Also called: CILIARY DYSKINESIA, PRIMARY, 37, WITH OR WITHOUT SITUS INVERSUS. Identifiers: MedGen C4539798, MONDO:0033204, OMIM 617577.

gnomAD v4.1: 1 of 1,596,370 alleles (0.000063%); highest among the groups gnomAD compares: Admixed American, 0.0017%; no homozygotes.

Submission:

Labcorp Genetics (formerly Invitae), Labcorp
Classification: Uncertain significance for Ciliary dyskinesia, primary, 37; Spermatogenic failure 18. Last evaluated: 2022-05-20. Review status: criteria provided, single submitter. Criteria: Invitae Variant Classification Sherloc (09022015). Collection method: clinical testing. Allele origin: germline.
Comment: In summary, the available evidence is currently insufficient to determine the role of this variant in disease. Therefore, it has been classified as a Variant of Uncertain Significance. Variants that disrupt the consensus splice site are a relatively common cause of aberrant splicing (PMID: 17576681, 9536098). Algorithms developed to predict the effect of sequence changes on RNA splicing suggest that this variant may create or strengthen a splice site. This variant has not been reported in the literature in individuals affected with DNAH1-related conditions. The frequency data for this variant in the population databases is considered unreliable, as metrics indicate poor data quality at this position in the gnomAD database. This sequence change falls in intron 74 of the DNAH1 gene. It does not directly change the encoded amino acid sequence of the DNAH1 protein. It affects a nucleotide within the consensus splice site.

Literature cited by the submitters: PubMed 17576681; PubMed 9536098.

NM_015512.5(DNAH1):c.11958+4G>T

Gene: DNAH1 (dynein axonemal heavy chain 1; plus strand). Cytogenetic location: 3p21.1.
Variant type: single nucleotide variant.
Coding change: c.11958+4G>T on transcript NM_015512.5 (MANE Select); 4 bases into the intron after coding-DNA position 11958, G replaced by T.
Molecular consequence: intron variant.
Genome position (GRCh38, 1-based): chr3:52,397,881, G>T. VCF-style: chr3-52397881-G-T. GRCh37 (hg19) VCF-style: chr3-52431897-G-T.
Identifiers: ClinVar variation 2417995 (VCV002417995.7), dbSNP rs1336415323, ClinGen allele CA543056901.